The following is an entry in ClinVar:

NM_000179.3(MSH6):c.3108G>T (p.Leu1036=)

Gene: MSH6 (mutS homolog 6; plus strand). Cytogenetic location: 2p16.3.
Variant type: single nucleotide variant.
Coding change: c.3108G>T on transcript NM_000179.3 (MANE Select); coding-DNA position 3108, G replaced by T.
Protein change: p.Leu1036=; no amino-acid change (leucine 1036 retained).
Molecular consequence: synonymous variant.
Genome position (GRCh38, 1-based): chr2:47,801,091, G>T. VCF-style: chr2-47801091-G-T. GRCh37 (hg19) VCF-style: chr2-48028230-G-T.
Other names: c.2718G>T, p.Leu906= (NM_001281492.2); c.2202G>T, p.Leu734= (NM_001281493.2, NM_001281494.2).
Identifiers: ClinVar variation 751188 (VCV000751188.19), dbSNP rs1399581663, ClinGen allele CA426121983.

ClinVar aggregate classification (germline): Benign/Likely benign. Review status: criteria provided, multiple submitters, no conflicts (2 of 4 stars). 6 submissions from 6 submitters: Benign (2); Likely benign (4). Last evaluated 2025-01-30.

Conditions:
Hereditary nonpolyposis colorectal neoplasms. Identifiers: MedGen C0009405, MeSH D003123.
Lynch syndrome. Identifiers: Orphanet 144, MedGen C4552100, MONDO:0005835. Disease mechanism: loss of function.
Hereditary cancer-predisposing syndrome. Also called: Tumor predisposition; Hereditary neoplastic syndrome; Neoplastic Syndromes, Hereditary; Hereditary Cancer Syndrome. Identifiers: Orphanet 140162, MedGen C0027672, MeSH D009386, MONDO:0015356.
Lynch syndrome 5 (LYNCH5). Also called: Hereditary non-polyposis colorectal cancer, type 5; Colorectal cancer, hereditary nonpolyposis, type 5. Identifiers: Orphanet 144, MedGen C1833477, MONDO:0013710, OMIM 614350. Disease mechanism: loss of function.

Allele frequency attached by ClinVar (database versions not stated): gnomAD exomes below 0.00001; gnomAD 0.00001; TOPMed 0.00001.

Submissions (6):

Labcorp Genetics (formerly Invitae), Labcorp
Classification: Likely benign for Hereditary nonpolyposis colorectal neoplasms. Last evaluated: 2025-01-30. Review status: criteria provided, single submitter. Criteria: Invitae Variant Classification Sherloc (09022015). Collection method: clinical testing. Allele origin: germline.

Myriad Genetics, Inc.
Classification: Benign for Lynch syndrome 5. Last evaluated: 2025-01-03. Review status: criteria provided, single submitter. Criteria: Myriad Autosomal Dominant, Autosomal Recessive and X-Linked Classification Criteria (2023). Collection method: clinical testing. Allele origin: unknown.
Comment: This variant is considered benign. This variant is a silent/synonymous amino acid change and it is not expected to impact splicing.

All of Us Research Program, National Institutes of Health
Classification: Likely benign for Lynch syndrome. Last evaluated: 2023-12-01. Review status: criteria provided, single submitter. Criteria: ACMG Guidelines, 2015. Collection method: clinical testing. Allele origin: germline. Inheritance: Autosomal dominant inheritance. Observed: 2 variant alleles, 2 heterozygotes.
Comment: This study involves interpretation of variants in research participants for the purpose of population health screening. Participant phenotype was not available at the time of variant classification. Additional details can be found in publication PMID: 35346344, PMCID: PMC8962531

Color Diagnostics, LLC DBA Color Health
Classification: Likely benign for Hereditary cancer-predisposing syndrome. Last evaluated: 2022-11-06. Review status: criteria provided, single submitter. Criteria: ACMG Guidelines, 2015. Collection method: clinical testing. Allele origin: germline.

Ambry Genetics
Classification: Likely benign for Hereditary cancer-predisposing syndrome. Last evaluated: 2018-03-28. Review status: criteria provided, single submitter. Criteria: Ambry Variant Classification Scheme 2023. Collection method: clinical testing. Allele origin: germline.

GeneDx
Classification: Benign. Last evaluated: 2015-03-03. Review status: criteria provided, single submitter. Criteria: GeneDx Variant Classification Process June 2021. Collection method: clinical testing. Allele origin: germline. Affected: yes.